The following is an entry in ClinVar:

ClinVar aggregate classification (germline): Uncertain significance (1 of 4 stars; one submission).

Submission:

Women's Health and Genetics/Laboratory Corporation of America, LabCorp
Classification: Uncertain significance. Last evaluated: 2024-05-13. Review status: criteria provided, single submitter. Criteria: LabCorp Variant Classification Summary - May 2015. Collection method: clinical testing. Allele origin: germline.
Comment: Variant summary: SURF1 c.722C>T (p.Ala241Val) results in a non-conservative amino acid change in the encoded protein sequence. Four of five in-silico tools predict a damaging effect of the variant on protein function. The variant allele was found at a frequency of 4e-06 in 251462 control chromosomes (gnomAD). The available data on variant occurrences in the general population are insufficient to allow any conclusion about variant significance. c.722C>T has been reported in the literature in individuals affected with features of Leigh Syndrome (e.g. Stenton_2022). These data do not allow any conclusion about variant significance. To our knowledge, no experimental evidence demonstrating an impact on protein function has been reported. The following publication has been ascertained in the context of this evaluation (PMID: 35094435). No submitters have cited clinical-significance assessments for this variant to ClinVar. Based on the evidence outlined above, the variant was classified as uncertain significance.

Literature cited by the submitters: PubMed 35094435.

NM_003172.4(SURF1):c.722C>T (p.Ala241Val)

Gene: SURF1 (SURF1 cytochrome c oxidase assembly factor; minus strand). Cytogenetic location: 9q34.2.
Variant type: single nucleotide variant.
Coding change: c.722C>T on transcript NM_003172.4 (MANE Select); coding-DNA position 722, C replaced by T.
Protein change: p.Ala241Val; replaces alanine 241 with valine.
Molecular consequence: missense variant.
Genome position (GRCh38, 1-based): chr9:133,352,475, G>A on the plus strand (C>T on the coding strand, the complement: SURF1 is on the minus strand). VCF-style: chr9-133352475-G-A. GRCh37 (hg19) VCF-style: chr9-136219330-G-A.
Other names: c.395C>T, p.Ala132Val (NM_001280787.1); short protein forms A132V, A241V.
Identifiers: ClinVar variation 3335978 (VCV003335978.1).
Genomic context (GRCh38, chr9:133,352,475, plus strand): 5'-TTGTTCCGAGATGGGCTGGTCCACAACGTACGGAAGTTGGCATCAATGAAGATGGGCTCT[G>A]CGCCTGTGATTCTGGCCATAGCTTCCAGGTCTCGATAATGCCAGTGGTTCCTTTCTGGAT-3'
Protein context (NP_003163.1, residues 231-251): DLEAMARITG[Ala241Val]EPIFIDANFQ